The following is an entry in ClinVar:

NM_052859.4(RFT1):c.1208+1G>T

Gene: RFT1 (RFT1 glycolipid translocator homolog; minus strand). Cytogenetic location: 3p21.1.
Variant type: single nucleotide variant.
Coding change: c.1208+1G>T on transcript NM_052859.4 (MANE Select); the canonical splice donor site of the intron after coding-DNA position 1208, G replaced by T.
Molecular consequence: splice donor variant.
Genome position (GRCh38, 1-based): chr3:53,099,380, C>A on the plus strand (G>T on the coding strand, the complement: RFT1 is on the minus strand). VCF-style: chr3-53099380-C-A. GRCh37 (hg19) VCF-style: chr3-53133396-C-A.
Identifiers: ClinVar variation 3254892 (VCV003254892.1), dbSNP rs2470953491.
Genomic context (GRCh38, chr3:53,099,380, plus strand): 5'-GACAAGTTATTTCATTTTGGCTGAAGGCCATGATTAAAGGTGTACCTGCTAGGTTACCCA[C>A]CTGTCGACCTCCTCTTTGCTCATGGCAGCAAATGTGAAACACTCTGTCACTCCATTGATG-3'

ClinVar aggregate classification (germline): Likely pathogenic (1 of 4 stars; one submission).

Conditions:
RFT1-congenital disorder of glycosylation (CDG1N). Also called: CDG In; Congenital disorder of glycosylation type In; RFT1-CDG. Identifiers: Orphanet 244310, MedGen C2677590, MONDO:0012783, OMIM 612015.

Submission:

Victorian Clinical Genetics Services, Murdoch Childrens Research Institute
Classification: Likely pathogenic for RFT1-congenital disorder of glycosylation. Last evaluated: 2023-07-17. Review status: criteria provided, single submitter. Criteria: ACMG Guidelines, 2015. Collection method: clinical testing. Allele origin: germline. Inheritance: Autosomal recessive inheritance. Affected: yes.
Comment: Based on the classification scheme VCGS_Germline_v1.3.4, this variant is classified as Likely pathogenic. Following criteria are met: 0102 - Loss of function is a known mechanism of disease in this gene and is associated with congenital disorder of glycosylation, type In (MIM#612015). (I) 0106 - This gene is associated with autosomal recessive disease. (I) 0211 - Canonical splice site variant without proven consequence on splicing (no functional evidence available). (SP) 0251 - This variant is heterozygous. (I) 0301 - Variant is absent from gnomAD (both v2 and v3). (SP) 0505 - Abnormal splicing is predicted by in silico tools and affected nucleotide is highly conserved. (SP) 0807 - This variant has no previous evidence of pathogenicity. (I) 0905 - No published segregation evidence has been identified for this variant. (I) 1007 - No published functional evidence has been identified for this variant. (I) Legend: (SP) - Supporting pathogenic, (I) - Information, (SB) - Supporting benign